The following is an entry in ClinVar:

NM_001277115.2(DNAH11):c.54C>T (p.Thr18=)

Gene: DNAH11 (dynein axonemal heavy chain 11; plus strand). Cytogenetic location: 7p15.3.
Variant type: single nucleotide variant.
Coding change: c.54C>T on transcript NM_001277115.2 (MANE Select); coding-DNA position 54, C replaced by T.
Protein change: p.Thr18=; no amino-acid change (threonine 18 retained).
Molecular consequence: synonymous variant.
Genome position (GRCh38, 1-based): chr7:21,543,299, C>T. VCF-style: chr7-21543299-C-T. GRCh37 (hg19) VCF-style: chr7-21582917-C-T.
Other names: p.Thr18=.
Identifiers: ClinVar variation 178721 (VCV000178721.24), dbSNP rs2285942, ClinGen allele CA182883.
Genomic context (GRCh38, chr7:21,543,299, plus strand): 5'-TTGCCCAATGGCAGCCCAGGTGGCAGCCCGGGAGGCGCGAGACTTCAGAGAAGCCCCGAC[C>T]CTTCGCCTAACCTCGGGGGCCGGCCTGGAGGCAGTGGGCGCTGTGGAGCTCGAGGAGGAG-3'
Protein context (NP_001264044.1, residues 8-28): REARDFREAP[Thr18=]LRLTSGAGLE

ClinVar aggregate classification (germline): Benign/Likely benign. Review status: criteria provided, multiple submitters, no conflicts (2 of 4 stars). 7 submissions from 7 submitters: Benign (5); Likely benign (2). Last evaluated 2026-02-04.

Conditions:
Primary ciliary dyskinesia. Also called: Ciliary dyskinesia. Identifiers: Orphanet 244, MedGen C0008780, MONDO:0016575, HP:0012265.

Allele frequency attached by ClinVar (database versions not stated): 1000 Genomes Project 0.06130; 1000 Genomes Project 30x 0.06152; ESP Exome Variant Server 0.08347; ExAC 0.09156; TOPMed 0.09174; gnomAD 0.09865 and 0.09968; gnomAD exomes 0.10026 and 0.13671.
gnomAD v4.1: 204,938 of 1,548,618 alleles (13%); highest among the groups gnomAD compares: Non-Finnish European, 15%; 14,802 homozygotes.

Submissions (7):

Labcorp Genetics (formerly Invitae), Labcorp
Classification: Benign for Primary ciliary dyskinesia. Last evaluated: 2026-02-04. Review status: criteria provided, single submitter. Criteria: Invitae Variant Classification Sherloc (09022015). Collection method: clinical testing. Allele origin: germline.

Blueprint Genetics
Classification: Likely benign. Last evaluated: 2024-11-27. Review status: criteria provided, single submitter. Criteria: ACMG Guidelines, 2015. Collection method: clinical testing. Allele origin: germline.

Mayo Clinic Laboratories, Mayo Clinic
Classification: Benign. Last evaluated: 2022-04-26. Review status: criteria provided, single submitter. Criteria: ACMG Guidelines, 2015. Collection method: clinical testing. Allele origin: germline. Observed: 46 variant alleles.

GeneDx
Classification: Benign. Last evaluated: 2018-11-27. Review status: criteria provided, single submitter. Criteria: GeneDx Variant Classification Process June 2021. Collection method: clinical testing. Allele origin: germline. Affected: yes.

Laboratory for Molecular Medicine, Mass General Brigham Personalized Medicine
Classification: Benign. Last evaluated: 2013-02-21. Review status: criteria provided, single submitter. Criteria: LMM Criteria. Collection method: clinical testing. Allele origin: germline. Observed: 19 variant alleles.
Comment: Thr18Thr in exon 1 of DNAH11: This variant is not expected to have clinical sign ificance because it does not alter an amino acid residue and is not located with in the splice consensus sequence. It has been identified in 10.9% (715/6530) of European American chromosomes from a broad population by the NHLBI Exome Sequenc ing Project (dbSNP rs2285942).

Breakthrough Genomics
Classification: Likely benign. Review status: criteria provided, single submitter. Criteria: ACMG Guidelines, 2015. Collection method: not provided. Allele origin: germline. Inheritance: Autosomal recessive inheritance. Affected: yes.

PreventionGenetics, part of Exact Sciences
Classification: Benign. Review status: criteria provided, single submitter. Criteria: ACMG Guidelines, 2015. Collection method: clinical testing. Allele origin: germline.